The following is an entry in ClinVar:

ClinVar aggregate classification (germline): Uncertain significance. Review status: criteria provided, multiple submitters, no conflicts (2 of 4 stars). 2 submissions from 2 submitters: Uncertain significance (2). Last evaluated 2026-04-15.

Conditions:
Familial hypercholesterolemia. Also called: Familial hypercholesterolemias; Familial hypercholesterolaemia. Identifiers: MedGen C0020445, MONDO:0005439.

gnomAD v4.1: 7 of 1,614,064 alleles (0.00043%); highest among the groups gnomAD compares: South Asian, 0.0033%; no homozygotes.

Submissions (2):

Genetics Laboratory, Great Ormond Street Hospital NHS Foundation Trust, North Thames Genomic Laboratory Hub
Classification: Uncertain significance for Familial hypercholesterolaemia. Last evaluated: 2026-04-15. Review status: criteria provided, single submitter. Criteria: ACGS Best Practice Guidelines for Variant Classification in Rare Disease 2024 v1.2. Collection method: clinical testing. Allele origin: germline. Affected: yes.
Comment: PS4_supporting, PM2_moderate, PM1_moderate

GeneDx
Classification: Uncertain significance. Last evaluated: 2026-02-01. Review status: criteria provided, single submitter. Criteria: GeneDx Variant Classification Process June 2021. Collection method: clinical testing. Allele origin: germline.
Comment: Not observed at significant frequency in large population cohorts (gnomAD); In silico analysis suggests that this missense variant does not alter protein structure/function; Has not been previously published as pathogenic or benign to our knowledge

NM_000384.3(APOB):c.9001G>A (p.Val3001Ile)

Gene: APOB (apolipoprotein B; minus strand). Cytogenetic location: 2p24.1.
Variant type: single nucleotide variant.
Coding change: c.9001G>A on transcript NM_000384.3 (MANE Select); coding-DNA position 9001, G replaced by A.
Protein change: p.Val3001Ile; replaces valine 3001 with isoleucine.
Molecular consequence: missense variant.
Genome position (GRCh38, 1-based): chr2:21,007,867, C>T on the plus strand (G>A on the coding strand, the complement: APOB is on the minus strand). VCF-style: chr2-21007867-C-T. GRCh37 (hg19) VCF-style: chr2-21230739-C-T.
Other names: c.9001G>A (NM_000384.2); short protein forms V3001I.
Identifiers: ClinVar variation 4853805 (VCV004853805.2).
Genomic context (GRCh38, chr2:21,007,867, plus strand): 5'-GCCTCCCAGTAAACTCTGCCTTCCCTTCTCCAAACAGTGCCATGCCTTTAGCAGTTAGAA[C>T]ACTGTGGCCCACATGCTGGGAATCGACTTGTGATTGAATTTCAAGTTTAGAAAAGTTGAG-3'
Protein context (NP_000375.3, residues 2991-3011): QVDSQHVGHS[Val3001Ile]LTAKGMALFG